The following is an entry in ClinVar:

NM_021625.5(TRPV4):c.2033T>G (p.Ile678Ser)

Gene: TRPV4 (transient receptor potential cation channel subfamily V member 4; minus strand). Cytogenetic location: 12q24.11.
Variant type: single nucleotide variant.
Coding change: c.2033T>G on transcript NM_021625.5 (MANE Select); coding-DNA position 2033, T replaced by G.
Protein change: p.Ile678Ser; replaces isoleucine 678 with serine.
Molecular consequence: missense variant.
Genome position (GRCh38, 1-based): chr12:109,788,575, A>C on the plus strand (T>G on the coding strand, the complement: TRPV4 is on the minus strand). VCF-style: chr12-109788575-A-C. GRCh37 (hg19) VCF-style: chr12-110226380-A-C.
Other names: c.1892T>G, p.Ile631Ser (NM_001177428.2); c.1931T>G, p.Ile644Ser (NM_001177431.2); c.1712T>G, p.Ile571Ser (NM_001177433.2); c.1853T>G, p.Ile618Ser (NM_147204.3); short protein forms I571S, I631S, I618S, I644S, I678S.
Identifiers: ClinVar variation 4708763 (VCV004708763.1).
Genomic context (GRCh38, chr12:109,788,575, plus strand): 5'-AGGATGATGAAGACCACGGGGTACTTGGTGCTGCTCAGCATCTCCAGGTCGCCCATGCCG[A>C]TGGTCAGCTTAAACAGGTCCAGGAGGAAGGTGCTGAAGGTCTCGCTGTCACGGCACGAGG-3'
Protein context (NP_067638.3, residues 668-688): TFLLDLFKLT[Ile678Ser]GMGDLEMLSS

ClinVar aggregate classification (germline): Uncertain significance (1 of 4 stars; one submission).

Conditions:
Charcot-Marie-Tooth disease axonal type 2C (HMSN2C). Also called: CHARCOT-MARIE-TOOTH DISEASE, AXONAL, AUTOSOMAL DOMINANT, TYPE 2C; Charcot-Marie-Tooth Neuropathy Type 2C; Charcot-Marie-Tooth Disease Type 2, TRPV4-Related (CMT2C). Identifiers: Orphanet 99937, MedGen C1853710, MONDO:0011633, OMIM 606071.

Submission:

Labcorp Genetics (formerly Invitae), Labcorp
Classification: Uncertain significance for Charcot-Marie-Tooth disease axonal type 2C. Last evaluated: 2025-12-08. Review status: criteria provided, single submitter. Criteria: Invitae Variant Classification Sherloc (09022015). Collection method: clinical testing. Allele origin: germline.
Comment: This sequence change replaces isoleucine, which is neutral and non-polar, with serine, which is neutral and polar, at codon 678 of the TRPV4 protein (p.Ile678Ser). This variant is not present in population databases (gnomAD no frequency). This variant has not been reported in the literature in individuals affected with TRPV4-related conditions. Invitae Evidence Modeling of protein sequence and biophysical properties (such as structural, functional, and spatial information, amino acid conservation, physicochemical variation, residue mobility, and thermodynamic stability) has been performed for this missense variant. However, the output from this modeling did not meet the statistical confidence thresholds required to predict the impact of this variant on TRPV4 protein function. In summary, the available evidence is currently insufficient to determine the role of this variant in disease. Therefore, it has been classified as a Variant of Uncertain Significance.